The following is an entry in ClinVar:

ClinVar aggregate classification (germline): Benign/Likely benign. Review status: criteria provided, multiple submitters, no conflicts (2 of 4 stars). 4 submissions from 4 submitters: Benign (1); Likely benign (3). Last evaluated 2025-01-02.

Conditions:
Hereditary nonpolyposis colorectal neoplasms. Identifiers: MedGen C0009405, MeSH D003123.
Lynch syndrome 5 (LYNCH5). Also called: Colorectal cancer, hereditary nonpolyposis, type 5; Hereditary non-polyposis colorectal cancer, type 5. Identifiers: Orphanet 144, MedGen C1833477, MONDO:0013710, OMIM 614350. Disease mechanism: loss of function.
Hereditary cancer-predisposing syndrome. Also called: Hereditary neoplastic syndrome; Tumor predisposition; Hereditary Cancer Syndrome; Neoplastic Syndromes, Hereditary. Identifiers: Orphanet 140162, MedGen C0027672, MeSH D009386, MONDO:0015356.

Allele frequency attached by ClinVar (database versions not stated): gnomAD exomes below 0.00001 and 0.00001.
gnomAD v4.1: 2 of 1,614,214 alleles (0.00012%); highest among the groups gnomAD compares: South Asian, 0.0022%; no homozygotes.

Submissions (4):

Myriad Genetics, Inc.
Classification: Benign for Lynch syndrome 5. Last evaluated: 2025-01-02. Review status: criteria provided, single submitter. Criteria: Myriad Autosomal Dominant, Autosomal Recessive and X-Linked Classification Criteria (2023). Collection method: clinical testing. Allele origin: unknown.
Comment: This variant is considered benign. This variant is a silent/synonymous amino acid change and it is not expected to impact splicing.

Labcorp Genetics (formerly Invitae), Labcorp
Classification: Likely benign for Hereditary nonpolyposis colorectal neoplasms. Last evaluated: 2024-08-04. Review status: criteria provided, single submitter. Criteria: Invitae Variant Classification Sherloc (09022015). Collection method: clinical testing. Allele origin: germline.

Ambry Genetics
Classification: Likely benign for Hereditary cancer-predisposing syndrome. Last evaluated: 2022-01-21. Review status: criteria provided, single submitter. Criteria: Ambry Variant Classification Scheme 2023. Collection method: clinical testing. Allele origin: germline.

Color Diagnostics, LLC DBA Color Health
Classification: Likely benign for Hereditary cancer-predisposing syndrome. Last evaluated: 2015-11-13. Review status: criteria provided, single submitter. Criteria: ACMG Guidelines, 2015. Collection method: clinical testing. Allele origin: germline.

NM_000179.3(MSH6):c.2709T>C (p.Pro903=)

Gene: MSH6 (mutS homolog 6; plus strand). Cytogenetic location: 2p16.3.
Variant type: single nucleotide variant.
Coding change: c.2709T>C on transcript NM_000179.3 (MANE Select); coding-DNA position 2709, T replaced by C.
Protein change: p.Pro903=; no amino-acid change (proline 903 retained).
Molecular consequence: synonymous variant.
Genome position (GRCh38, 1-based): chr2:47,800,692, T>C. VCF-style: chr2-47800692-T-C. GRCh37 (hg19) VCF-style: chr2-48027831-T-C.
Other names: c.2319T>C, p.Pro773= (NM_001281492.2); c.1803T>C, p.Pro601= (NM_001281493.2, NM_001281494.2).
Identifiers: ClinVar variation 491915 (VCV000491915.11), dbSNP rs879111473, ClinGen allele CA46711582.
Genomic context (GRCh38, chr2:47,800,692, plus strand): 5'-GTCTAAAATCCTTAAGCAGGTCATCTCTCTGCAGACAAAAAATCCTGAAGGTCGTTTTCC[T>C]GATTTGACTGTAGAATTGAACCGATGGGATACAGCCTTTGACCATGAAAAGGCTCGAAAG-3'
Protein context (NP_000170.1, residues 893-913): LQTKNPEGRF[Pro903=]DLTVELNRWD